The following is an entry in ClinVar:

ClinVar aggregate classification (germline): Uncertain significance. Review status: criteria provided, multiple submitters, no conflicts (2 of 4 stars). 2 submissions from 2 submitters: Uncertain significance (2). Last evaluated 2023-01-29.

Conditions:
Complex cortical dysplasia with other brain malformations 5. Identifiers: MedGen C3810407, MONDO:0014337, OMIM 615763.

Submissions (2):

Labcorp Genetics (formerly Invitae), Labcorp
Classification: Uncertain significance. Last evaluated: 2023-01-29. Review status: criteria provided, single submitter. Criteria: Invitae Variant Classification Sherloc (09022015). Collection method: clinical testing. Allele origin: germline.
Comment: This sequence change replaces threonine, which is neutral and polar, with methionine, which is neutral and non-polar, at codon 312 of the TUBB2A protein (p.Thr312Met). In summary, the available evidence is currently insufficient to determine the role of this variant in disease. Therefore, it has been classified as a Variant of Uncertain Significance. Advanced modeling of protein sequence and biophysical properties (such as structural, functional, and spatial information, amino acid conservation, physicochemical variation, residue mobility, and thermodynamic stability) performed at Invitae indicates that this missense variant is expected to disrupt TUBB2A protein function. ClinVar contains an entry for this variant (Variation ID: 979185). This variant has not been reported in the literature in individuals affected with TUBB2A-related conditions. This variant is not present in population databases (gnomAD no frequency).

MVZ Martinsried, Medicover Genetics
Classification: Uncertain significance for Complex cortical dysplasia with other brain malformations 5. Last evaluated: 2020-07-08. Review status: criteria provided, single submitter. Criteria: ACGS Guidelines, 2020. Collection method: clinical testing. Allele origin: unknown. Affected: yes.

NM_001069.3(TUBB2A):c.935C>T (p.Thr312Met)

Gene: TUBB2A (tubulin beta 2A class IIa; minus strand). Cytogenetic location: 6p25.2.
Variant type: single nucleotide variant.
Coding change: c.935C>T on transcript NM_001069.3 (MANE Select); coding-DNA position 935, C replaced by T.
Protein change: p.Thr312Met; replaces threonine 312 with methionine.
Molecular consequence: missense variant.
Genome position (GRCh38, 1-based): chr6:3,154,266, G>A on the plus strand (C>T on the coding strand, the complement: TUBB2A is on the minus strand). VCF-style: chr6-3154266-G-A. GRCh37 (hg19) VCF-style: chr6-3154500-G-A.
Other names: c.680C>T, p.Thr227Met (NM_001310315.2); short protein forms T227M, T312M.
Identifiers: ClinVar variation 979185 (VCV000979185.4), dbSNP rs1762595316, ClinGen allele CA362591623.
Genomic context (GRCh38, chr6:3,154,266, plus strand): 5'-TTGAGCATCTGCTCGTCCACCTCCTTCATGGACATGCGGCCCCGGAAGATGGCAGCCACC[G>A]TCAGGTAGCGGCCGTGGCGCGGGTCGCAGGCGGCCATCATGTTCTTGGAGTCGAACATCT-3'
Protein context (NP_001060.1, residues 302-322): ACDPRHGRYL[Thr312Met]VAAIFRGRMS